The following is an entry in ClinVar:

ClinVar aggregate classification (germline): Pathogenic (1 of 4 stars; one submission).

Submission:

Labcorp Genetics (formerly Invitae), Labcorp
Classification: Pathogenic. Last evaluated: 2021-12-08. Review status: criteria provided, single submitter. Criteria: Invitae Variant Classification Sherloc (09022015). Collection method: clinical testing. Allele origin: germline.
Comment: This variant disrupts the p.Met62 amino acid residue in PAX3. Other variant(s) that disrupt this residue have been observed in individuals with PAX3-related conditions (PMID: 23512835, 30936914), which suggests that this may be a clinically significant amino acid residue. For these reasons, this variant has been classified as Pathogenic. Algorithms developed to predict the effect of sequence changes on RNA splicing suggest that this variant may create or strengthen a splice site. This sequence change replaces methionine, which is neutral and non-polar, with valine, which is neutral and non-polar, at codon 62 of the PAX3 protein (p.Met62Val). This variant is not present in population databases (gnomAD no frequency). This missense change has been observed in individuals with Waardenburg syndrome (PMID: 7833953, 9452070; Invitae). Algorithms developed to predict the effect of missense changes on protein structure and function are either unavailable or do not agree on the potential impact of this missense change (SIFT: "Deleterious"; PolyPhen-2: "Probably Damaging"; Align-GVGD: "Class C0").

Literature cited by the submitters: PubMed 23512835; PubMed 30936914; PubMed 7833953; PubMed 9452070.

NM_181458.4(PAX3):c.184A>G (p.Met62Val)

Gene: PAX3 (paired box 3; minus strand). Cytogenetic location: 2q36.1.
Variant type: single nucleotide variant.
Coding change: c.184A>G on transcript NM_181458.4 (MANE Select); coding-DNA position 184, A replaced by G.
Protein change: p.Met62Val; replaces methionine 62 with valine.
Molecular consequence: missense variant.
Genome position (GRCh38, 1-based): chr2:222,297,115, T>C on the plus strand (A>G on the coding strand, the complement: PAX3 is on the minus strand). VCF-style: chr2-222297115-T-C. GRCh37 (hg19) VCF-style: chr2-223161834-T-C.
Other names: c.184A>G, p.Met62Val (NM_000438.6, NM_001127366.3, NM_013942.5 and 4 more transcripts); short protein forms M62V.
Identifiers: ClinVar variation 1458412 (VCV001458412.6), dbSNP rs2106203978, ClinGen allele CA351113641.